The following is an entry in ClinVar:

NM_000090.4(COL3A1):c.3325C>G (p.Arg1109Gly)

Gene: COL3A1 (collagen type III alpha 1 chain; plus strand). Cytogenetic location: 2q32.2.
Variant type: single nucleotide variant.
Coding change: c.3325C>G on transcript NM_000090.4 (MANE Select); coding-DNA position 3325, C replaced by G.
Protein change: p.Arg1109Gly; replaces arginine 1109 with glycine.
Molecular consequence: missense variant.
Genome position (GRCh38, 1-based): chr2:189,007,569, C>G. VCF-style: chr2-189007569-C-G. GRCh37 (hg19) VCF-style: chr2-189872295-C-G.
Other names: p.R1109G:CGA>GGA; p.Arg1109Gly; short protein forms R1109G.
Identifiers: ClinVar variation 199742 (VCV000199742.41), dbSNP rs112371422, ClinGen allele CA006308.
Genomic context (GRCh38, chr2:189,007,569, plus strand): 5'-GGCCCACGTGGTGACAAAGGTGAAACAGGTGAACGTGGAGCTGCTGGCATCAAAGGACAT[C>G]GAGGATTCCCTGGTAATCCAGGTGCCCCAGGTTCTCCAGTAAGTGCATTCATTTTGTTGG-3'
Protein context (NP_000081.2, residues 1099-1119): ERGAAGIKGH[Arg1109Gly]GFPGNPGAPG

ClinVar aggregate classification (germline): Conflicting classifications of pathogenicity. Review status: criteria provided, conflicting classifications (1 of 4 stars). 13 submissions from 12 submitters: Uncertain significance (11); Likely benign (2). Last evaluated 2026-08-31.

Conditions:
Polymicrogyria with or without vascular-type Ehlers-Danlos syndrome. Identifiers: Orphanet 636941, MedGen C5193040, MONDO:0032688, OMIM 618343.
Ehlers-Danlos syndrome, type 4 (EDSVASC). Also called: Ehlers-Danlos syndrome vascular type; Ehlers Danlos syndrome, ecchymotic type; Ehlers Danlos syndrome, arterial type; Ehlers Danlos syndrome, Sack-Barabas type; Ehlers-Danlos Syndrome Type IV. Identifiers: Orphanet 286, MedGen C0268338, MONDO:0017314, OMIM 130050.
Ehlers-Danlos syndrome (EDS). Identifiers: Orphanet 98249, MedGen C0013720, MONDO:0020066.
Familial thoracic aortic aneurysm and aortic dissection (TAAD). Also called: Thoracic aortic aneurysms and dissections. Identifiers: Orphanet 91387, MedGen C4707243, MONDO:0019625.

Allele frequency attached by ClinVar (database versions not stated): ExAC 0.00006; gnomAD exomes 0.00008 and 0.00015; gnomAD 0.00013 and 0.00015; TOPMed 0.00014; ESP Exome Variant Server 0.00015.
gnomAD v4.1: 237 of 1,613,428 alleles (0.015%); highest among the groups gnomAD compares: Non-Finnish European, 0.019%; no homozygotes.

Submissions (13):

GeneDx
Classification: Uncertain significance. Last evaluated: 2026-08-31. Review status: criteria provided, single submitter. Criteria: GeneDx Variant Classification Process June 2021. Collection method: clinical testing. Allele origin: germline.
Comment: Has not been previously published as pathogenic or benign to our knowledge; Occurs in the triple helical domain at the Y position in the canonical Gly-X-Y repeat; although this variant may have an effect on normal protein folding and function, missense substitution at the Y position is not a common mechanism of disease (HGMD); In silico analysis supports that this missense variant has a deleterious effect on protein structure/function

Labcorp Genetics (formerly Invitae), Labcorp
Classification: Uncertain significance for Ehlers-Danlos syndrome, type 4. Last evaluated: 2026-01-16. Review status: criteria provided, single submitter. Criteria: Invitae Variant Classification Sherloc (09022015). Collection method: clinical testing. Allele origin: germline.
Comment: This sequence change replaces arginine, which is basic and polar, with glycine, which is neutral and non-polar, at codon 1109 of the COL3A1 protein (p.Arg1109Gly). This variant is present in population databases (rs112371422, gnomAD 0.02%). This missense change has been observed in individual(s) with clinical features of Ehlers-Danlos syndrome (PMID: 31141158). ClinVar contains an entry for this variant (Variation ID: 199742). Invitae Evidence Modeling of protein sequence and biophysical properties (such as structural, functional, and spatial information, amino acid conservation, physicochemical variation, residue mobility, and thermodynamic stability) has been performed for this missense variant. However, the output from this modeling did not meet the statistical confidence thresholds required to predict the impact of this variant on COL3A1 protein function. In summary, the available evidence is currently insufficient to determine the role of this variant in disease. Therefore, it has been classified as a Variant of Uncertain Significance.

Women's Health and Genetics/Laboratory Corporation of America, LabCorp
Classification: Uncertain significance. Last evaluated: 2026-01-15. Review status: criteria provided, single submitter. Criteria: LabCorp Variant Classification Summary - May 2015. Collection method: clinical testing. Allele origin: germline.
Comment: Variant summary: COL3A1 c.3325C>G (p.Arg1109Gly) results in a non-conservative amino acid change in the encoded protein sequence. Algorithms developed to predict the effect of missense changes on protein structure and function all suggest that this variant is likely to be disruptive. The variant allele was found at a frequency of 8e-05 in 250338 control chromosomes. This frequency is not significantly higher than estimated for disease-causing variants in COL3A1, allowing no conclusion about variant significance. c.3325C>G has been observed in individuals with symptoms of Ehlers-Danlos syndrome (Angwin_2020). These reports do not provide unequivocal conclusions about association of the variant with Polymicrogyria with or without vascular-type Ehlers-Danlos syndrome. To our knowledge, no experimental evidence demonstrating an impact on protein function has been reported. The following publication has been ascertained in the context of this evaluation (PMID: 31141158). ClinVar contains an entry for this variant (Variation ID: 199742). Based on the evidence outlined above, the variant was classified as uncertain significance.

Clinical Genomics Laboratory, Washington University in St. Louis
Classification: Uncertain significance for Ehlers-Danlos syndrome, type 4. Last evaluated: 2025-11-24. Review status: criteria provided, single submitter. Criteria: ACMG Guidelines, 2015. Collection method: clinical testing. Allele origin: germline.
Comment: The COL3A1 c.3325C>G (p.Arg1109Gly) variant, to our knowledge, has not been reported in the medical literature. The highest population minor allele frequency in the population database genome aggregation database (v.4.1.0) is 0.02% in the European non-Finnish population which is higher than the incidence of disease. Computational predictors indicate that the variant is damaging, evidence that correlates with impact to COL3A1 function. This variant resides within the triple helical region, amino acids (168-1196), of COL3A1 that is defined as a critical functional domain (Pepin MG et al., PMID: 24922459), impacting the Y position of the Gly-X-Y repeat. Due to limited information, and based on ACMG/AMP guidelines for variant interpretation (Richards S et al., PMID: 25741868), the clinical significance of this variant is uncertain at this time.

Mayo Clinic Laboratories, Mayo Clinic
Classification: Uncertain significance. Last evaluated: 2024-09-09. Review status: criteria provided, single submitter. Criteria: ACMG Guidelines, 2015. Collection method: clinical testing. Allele origin: germline. Observed: 4 variant alleles.
Comment: BS1, PP2, PP3

All of Us Research Program, National Institutes of Health
Classification: Uncertain significance for Ehlers-Danlos syndrome, type 4. Last evaluated: 2024-08-30. Review status: criteria provided, single submitter. Criteria: ACMG Guidelines, 2015. Collection method: clinical testing. Allele origin: germline. Inheritance: Autosomal dominant inheritance. Observed: 37 variant alleles, 37 heterozygotes.
Comment: This missense variant replaces arginine with glycine at codon 1109 of the COL3A1 protein. Computational prediction suggests that this variant may have deleterious impact on protein structure and function (internally defined REVEL score threshold >= 0.7, PMID: 27666373). To our knowledge, functional studies have not been reported for this variant. This variant has not been reported in individuals affected with cardiovascular disorders in the literature. This variant has been identified in 28/281702 chromosomes in the general population by the Genome Aggregation Database (gnomAD). The available evidence is insufficient to determine the role of this variant in disease conclusively. Therefore, this variant is classified as a Variant of Uncertain Significance.

This study involves interpretation of variants in research participants for the purpose of population health screening. Participant phenotype was not available at the time of variant classification. Additional details can be found in publication PMID: 35346344, PMCID: PMC8962531

Color Diagnostics, LLC DBA Color Health
Classification: Uncertain significance for Familial thoracic aortic aneurysm and aortic dissection. Last evaluated: 2024-01-23. Review status: criteria provided, single submitter. Criteria: ACMG Guidelines, 2015. Collection method: clinical testing. Allele origin: germline.
Comment: This missense variant replaces arginine with glycine at codon 1109 of the COL3A1 protein. Computational prediction suggests that this variant may have deleterious impact on protein structure and function (internally defined REVEL score threshold >= 0.7, PMID: 27666373). To our knowledge, functional studies have not been reported for this variant. This variant has not been reported in individuals affected with cardiovascular disorders in the literature. This variant has been identified in 28/281702 chromosomes in the general population by the Genome Aggregation Database (gnomAD). The available evidence is insufficient to determine the role of this variant in disease conclusively. Therefore, this variant is classified as a Variant of Uncertain Significance.

Blueprint Genetics
Classification: Likely benign. Last evaluated: 2024-01-12. Review status: criteria provided, single submitter. Criteria: ACMG Guidelines, 2015. Collection method: clinical testing. Allele origin: germline.

Fulgent Genetics
Classification: Uncertain significance for Ehlers-Danlos syndrome, type 4; Polymicrogyria with or without vascular-type Ehlers-Danlos syndrome. Last evaluated: 2022-04-06. Review status: criteria provided, single submitter. Criteria: ACMG Guidelines, 2015. Collection method: clinical testing. Allele origin: unknown.

Ambry Genetics
Classification: Likely benign for Familial thoracic aortic aneurysm and aortic dissection. Last evaluated: 2022-01-18. Review status: criteria provided, single submitter. Criteria: Ambry Variant Classification Scheme 2023. Collection method: clinical testing. Allele origin: germline.

Genome Diagnostics Laboratory, The Hospital for Sick Children
Classification: Uncertain significance for Ehlers-Danlos syndrome. Last evaluated: 2021-01-27. Review status: criteria provided, single submitter. Criteria: ACMG Guidelines, 2015. Collection method: clinical testing. Allele origin: germline.

Center for Genomics, Ann and Robert H. Lurie Children's Hospital of Chicago
Classification: Uncertain significance for Ehlers-Danlos syndrome, type 4. Last evaluated: 2020-09-17. Review status: criteria provided, single submitter. Criteria: ACMG Guidelines, 2015. Collection method: clinical testing. Allele origin: germline.
Comment: COL3A1 NM_000090.3 exon 45 p.Arg1109Gly (c.3325C>G): This variant has not been reported in the literature but is present in 0.02% (13/64552) of European alleles in the Genome Aggregation Database. This variant is present in ClinVar (Variation ID:199742). Evolutionary conservation and computational predictive tools suggest that this variant may impact the protein. In summary, data on this variant is insufficient for disease classification. Therefore, the clinical significance of this variant is uncertain.

Center for Genomics, Ann and Robert H. Lurie Children's Hospital of Chicago
Classification: Uncertain significance for Ehlers-Danlos syndrome, type 4; Polymicrogyria with or without vascular-type Ehlers-Danlos syndrome. Review status: criteria provided, single submitter. Criteria: ACMG Guidelines, 2015. Collection method: clinical testing. Allele origin: germline.
Comment: the same text as in the submission from Center for Genomics, Ann and Robert H. Lurie Children's Hospital of Chicago above.

Literature cited by the submitters: PubMed 31141158 (cited by 4 submitters); PubMed 29192238 (cited by Ambry Genetics).